The following is an entry in ClinVar:

ClinVar aggregate classification (germline): Likely benign. Review status: criteria provided, single submitter (1 of 4 stars). 2 submissions from 2 submitters: Likely benign (1). 1 of the submissions does not count toward it.

Allele frequency attached by ClinVar (database versions not stated): 1000 Genomes Project 30x 0.00390; 1000 Genomes Project 0.00399; TOPMed 0.00887; ESP Exome Variant Server 0.01051.
gnomAD v4.1: 21,154 of 1,614,008 alleles (1.3%); highest among the groups gnomAD compares: Non-Finnish European, 1.6%; 189 homozygotes.

Submissions (2):

Breakthrough Genomics
Classification: Likely benign. Review status: criteria provided, single submitter. Criteria: ACMG Guidelines, 2015. Collection method: not provided. Allele origin: germline. Inheritance: Unknown mechanism. Affected: yes.

Department of Pathology and Laboratory Medicine, Sinai Health System
Classification: Likely benign. Review status: no assertion criteria provided. Collection method: clinical testing. Allele origin: unknown. Affected: yes. Study: The Canadian Open Genetics Repository (COGR). Not counted in ClinVar's aggregate classification.
Comment: The PTPN13 p.Thr2362Ile variant was identified in the literature however the frequency of this variant in an affected population was not provided. The variant was identified in dbSNP (ID: rs61730641) and LOVD. The variant was not identified in ClinVar or Cosmic. The variant was identified in control databases in 2500 of 280694 chromosomes (19 homozygous) at a frequency of 0.008906 increasing the likelihood this could be a low frequency benign variant (Genome Aggregation Database Feb 27, 2017). The variant was observed in the following populations: European (non-Finnish) in 1835 of 128460 chromosomes (freq: 0.01428), Other in 68 of 7142 chromosomes (freq: 0.009521), European (Finnish) in 172 of 25024 chromosomes (freq: 0.006873), Ashkenazi Jewish in 62 of 10356 chromosomes (freq: 0.005987), South Asian in 168 of 30602 chromosomes (freq: 0.00549), Latino in 138 of 35374 chromosomes (freq: 0.003901) and African in 57 of 24200 chromosomes (freq: 0.002355); it was not observed in East Asian population. The p.Thr2362Ile variant was also identified in a GWAS study on adult height, at an allele frequency of 0.015 (N=381 625) (Marouli_2017_PMID: 28146470). The p.Thr2362 residue is conserved across mammals and other organisms, and computational analyses (PolyPhen-2, SIFT, AlignGVGD, BLOSUM, MutationTaster) suggest that the variant may impact the protein; however, this information is not predictive enough to assume pathogenicity. The variant occurs outside of the splicing consensus sequence and in silico or computational prediction software programs (SpliceSiteFinder, MaxEntScan, NNSPLICE, GeneSplicer) do not predict a difference in splicing. In summary, based on the above information the clinical significance of this variant cannot be determined with certainty at this time although we would lean towards a more benign role for this variant. This variant is classified as likely benign.

NM_080683.3(PTPN13):c.7142C>T (p.Thr2381Ile)

Gene: PTPN13 (protein tyrosine phosphatase non-receptor type 13; plus strand). Cytogenetic location: 4q21.3.
Variant type: single nucleotide variant.
Coding change: c.7142C>T on transcript NM_080683.3 (MANE Select); coding-DNA position 7142, C replaced by T.
Protein change: p.Thr2381Ile; replaces threonine 2381 with isoleucine.
Molecular consequence: missense variant.
Genome position (GRCh38, 1-based): chr4:86,809,827, C>T. VCF-style: chr4-86809827-C-T. GRCh37 (hg19) VCF-style: chr4-87730980-C-T.
Other names: c.7085C>T, p.Thr2362Ile (NM_006264.3); c.6569C>T, p.Thr2190Ile (NM_080684.3); c.7157C>T, p.Thr2386Ile (NM_080685.3); short protein forms T2190I, T2362I, T2381I, T2386I.
Identifiers: ClinVar variation 1049975 (VCV001049975.2), dbSNP rs61730641, ClinGen allele CA2997134.